The following is an entry in ClinVar:

NM_003998.4(NFKB1):c.844C>G (p.Gln282Glu)

Gene: NFKB1 (nuclear factor kappa B subunit 1; plus strand). Cytogenetic location: 4q24.
Variant type: single nucleotide variant.
Coding change: c.844C>G on transcript NM_003998.4 (MANE Select); coding-DNA position 844, C replaced by G.
Protein change: p.Gln282Glu; replaces glutamine 282 with glutamic acid.
Molecular consequence: missense variant.
Genome position (GRCh38, 1-based): chr4:102,582,874, C>G. VCF-style: chr4-102582874-C-G. GRCh37 (hg19) VCF-style: chr4-103504031-C-G.
Other names: c.844C>G, p.Gln282Glu (NM_001382625.1, NM_001382626.1); c.841C>G, p.Gln281Glu (NM_001382627.1, NM_001165412.2, NM_001319226.2); c.802C>G, p.Gln268Glu (NM_001382628.1); short protein forms Q281E, Q282E, Q268E.
Identifiers: ClinVar variation 3647899 (VCV003647899.2).
Genomic context (GRCh38, chr4:102,582,874, plus strand): 5'-AAATACTATTTACACTATGTGAAATTACACACTTCAATGTGATTGTTTGCAGATGACATC[C>G]AGATTCGATTTTATGAAGAGGAAGAAAATGGTGGAGTCTGGGAAGGATTTGGAGATTTTT-3'
Protein context (NP_003989.2, residues 272-292): LCDKVQKDDI[Gln282Glu]IRFYEEEENG

ClinVar aggregate classification (germline): Uncertain significance (1 of 4 stars; one submission).

Submission:

Labcorp Genetics (formerly Invitae), Labcorp
Classification: Uncertain significance. Last evaluated: 2024-03-27. Review status: criteria provided, single submitter. Criteria: Invitae Variant Classification Sherloc (09022015). Collection method: clinical testing. Allele origin: germline.
Comment: This sequence change replaces glutamine, which is neutral and polar, with glutamic acid, which is acidic and polar, at codon 282 of the NFKB1 protein (p.Gln282Glu). This variant is not present in population databases (gnomAD no frequency). This variant has not been reported in the literature in individuals affected with NFKB1-related conditions. An algorithm developed to predict the effect of missense changes on protein structure and function (PolyPhen-2) suggests that this variant is likely to be tolerated. In summary, the available evidence is currently insufficient to determine the role of this variant in disease. Therefore, it has been classified as a Variant of Uncertain Significance.